The following is an entry in ClinVar:

NM_182649.2(PCNA):c.667T>C (p.Ser223Pro)

Gene: PCNA (proliferating cell nuclear antigen; minus strand). Cytogenetic location: 20p12.3.
Variant type: single nucleotide variant.
Coding change: c.667T>C on transcript NM_182649.2 (MANE Select); coding-DNA position 667, T replaced by C.
Protein change: p.Ser223Pro; replaces serine 223 with proline.
Molecular consequence: missense variant.
Genome position (GRCh38, 1-based): chr20:5,115,488, A>G on the plus strand (T>C on the coding strand, the complement: PCNA is on the minus strand). VCF-style: chr20-5115488-A-G. GRCh37 (hg19) VCF-style: chr20-5096134-A-G.
Other names: p.Ser223Pro; c.667T>C, p.Ser223Pro (NM_002592.2); short protein forms S223P.
Identifiers: ClinVar variation 4542377 (VCV004542377.1).

ClinVar aggregate classification (germline): Uncertain significance (1 of 4 stars; one submission).

gnomAD v4.1: 145 of 1,614,060 alleles (0.009%); highest among the groups gnomAD compares: African/African-American, 0.16%; no homozygotes.

Submission:

Mayo Clinic Laboratories, Mayo Clinic
Classification: Uncertain significance. Last evaluated: 2025-06-05. Review status: criteria provided, single submitter. Criteria: ACMG Guidelines, 2015. Collection method: clinical testing. Allele origin: germline. Observed: 1 variant allele.
Comment: BP4_moderate